The following is an entry in ClinVar:

ClinVar aggregate classification (germline): Uncertain significance (1 of 4 stars; one submission).

Conditions:
Carnitine palmitoyl transferase 1A deficiency. Also called: CPT deficiency, hepatic, type IA; Carnitine palmitoyltransferase 1A deficiency; Carnitine palmitoyltransferase type I deficiency; CPT I DEFICIENCY; CPT DEFICIENCY, HEPATIC, TYPE I. Identifiers: Orphanet 156, MedGen C1829703, MONDO:0009705, OMIM 255120.

Allele frequency attached by ClinVar (database versions not stated): ExAC 0.00001; gnomAD 0.00001; gnomAD exomes 0.00001; TOPMed 0.00002.
gnomAD v4.1: 16 of 1,614,036 alleles (0.00099%); highest among the groups gnomAD compares: African/African-American, 0.0013%; no homozygotes.

Submission:

Labcorp Genetics (formerly Invitae), Labcorp
Classification: Uncertain significance for Carnitine palmitoyl transferase 1A deficiency. Last evaluated: 2021-09-01. Review status: criteria provided, single submitter. Criteria: Invitae Variant Classification Sherloc (09022015). Collection method: clinical testing. Allele origin: germline.
Comment: This sequence change replaces valine with alanine at codon 626 of the CPT1A protein (p.Val626Ala). The valine residue is weakly conserved and there is a small physicochemical difference between valine and alanine. This variant is present in population databases (rs768746064, ExAC 0.01%). This variant has not been reported in the literature in individuals affected with CPT1A-related conditions. Algorithms developed to predict the effect of missense changes on protein structure and function output the following: SIFT: "Tolerated"; PolyPhen-2: "Benign"; Align-GVGD: "Class C0". The alanine amino acid residue is found in multiple mammalian species, which suggests that this missense change does not adversely affect protein function. In summary, the available evidence is currently insufficient to determine the role of this variant in disease. Therefore, it has been classified as a Variant of Uncertain Significance.

NM_001876.4(CPT1A):c.1877T>C (p.Val626Ala)

Gene: CPT1A (carnitine palmitoyltransferase 1A; minus strand). Cytogenetic location: 11q13.3.
Variant type: single nucleotide variant.
Coding change: c.1877T>C on transcript NM_001876.4 (MANE Select); coding-DNA position 1877, T replaced by C.
Protein change: p.Val626Ala; replaces valine 626 with alanine.
Molecular consequence: missense variant.
Genome position (GRCh38, 1-based): chr11:68,761,686, A>G on the plus strand (T>C on the coding strand, the complement: CPT1A is on the minus strand). VCF-style: chr11-68761686-A-G. GRCh37 (hg19) VCF-style: chr11-68529154-A-G.
Other names: c.1877T>C, p.Val626Ala (NM_001031847.3); short protein forms V626A.
Identifiers: ClinVar variation 934885 (VCV000934885.7), dbSNP rs768746064, ClinGen allele CA6152157.